The following is an entry in ClinVar:

NM_000228.3(LAMB3):c.2666G>A (p.Arg889Gln)

Gene: LAMB3 (laminin subunit beta 3; minus strand). Cytogenetic location: 1q32.2.
Variant type: single nucleotide variant.
Coding change: c.2666G>A on transcript NM_000228.3 (MANE Select); coding-DNA position 2666, G replaced by A.
Protein change: p.Arg889Gln; replaces arginine 889 with glutamine.
Molecular consequence: missense variant.
Genome position (GRCh38, 1-based): chr1:209,622,571, C>T on the plus strand (G>A on the coding strand, the complement: LAMB3 is on the minus strand). VCF-style: chr1-209622571-C-T. GRCh37 (hg19) VCF-style: chr1-209795916-C-T.
Other names: c.2666G>A, p.Arg889Gln (NM_001017402.2, NM_001127641.1); short protein forms R889Q.
Identifiers: ClinVar variation 2639880 (VCV002639880.24), dbSNP rs139896242, ClinGen allele CA1375148.

ClinVar aggregate classification (germline): Uncertain significance (1 of 4 stars; one submission).

Allele frequency attached by ClinVar (database versions not stated): gnomAD 0.00002; TOPMed 0.00002; ExAC 0.00003; gnomAD exomes 0.00009; ESP Exome Variant Server 0.00015.
gnomAD v4.1: 139 of 1,613,950 alleles (0.0086%); highest among the groups gnomAD compares: Non-Finnish European, 0.011%; no homozygotes.

Submission:

CeGaT Center for Human Genetics Tuebingen
Classification: Uncertain significance. Last evaluated: 2023-03-01. Review status: criteria provided, single submitter. Criteria: CeGaT Center For Human Genetics Tuebingen Variant Classification Criteria Version 2. Collection method: clinical testing. Allele origin: germline. Affected: yes. Observed: 1 variant allele.
Comment: LAMB3: PM2, BP4